The following is an entry in ClinVar:

ClinVar aggregate classification (germline): Benign (1 of 4 stars; one submission).

Submission:

Unidad de Genómica Garrahan, Hospital de Pediatría Garrahan
Classification: Benign. Last evaluated: 2024-01-24. Review status: criteria provided, single submitter. Criteria: ACMG Guidelines, 2015. Collection method: clinical testing. Allele origin: germline. Affected: no. Observed: 30 variant alleles.
Comment: This variant is classified as Benign based on local population frequency. This variant was detected in 32% of patients studied by a panel of primary immunodeficiencies. Number of patients: 30. Only high quality variants are reported.

NM_153460.4(IL17RC):c.-44dup

Gene: IL17RC (interleukin 17 receptor C; plus strand). Cytogenetic location: 3p25.3.
Variant type: Duplication.
Coding change: c.-44dup on transcript NM_153460.4 (MANE Select); 44 bases upstream of the start codon, one base duplicated (G; older notation c.-44dupG).
Molecular consequence: 5 prime UTR variant. On other transcripts: non-coding transcript variant (1).
Genome position (GRCh38, 1-based): chr3:9,917,272, G duplicated; the last of 9 consecutive G bases (chr3:9,917,264-9,917,272); duplicating any one gives the same sequence. VCF-style (leftmost placement, unchanged base first): chr3-9917263-T-TG. GRCh37 (hg19) VCF-style: chr3-9958947-T-TG.
Other names: c.-44dup (NM_001203263.2, NM_001203264.2, NM_001203265.2 and 6 more transcripts).
Identifiers: ClinVar variation 2688239 (VCV002688239.2), dbSNP rs530330109, ClinGen allele CA70009887.